The following is an entry in ClinVar:

ClinVar aggregate classification (germline): Uncertain significance (1 of 4 stars; one submission).

Submission:

Women's Health and Genetics/Laboratory Corporation of America, LabCorp
Classification: Uncertain significance. Last evaluated: 2025-03-24. Review status: criteria provided, single submitter. Criteria: LabCorp Variant Classification Summary - May 2015. Collection method: clinical testing. Allele origin: germline.
Comment: Variant summary: ABCC9 c.4606C>G (p.His1536Asp) results in a non-conservative amino acid change in the encoded protein sequence. Four of five in-silico tools predict a benign effect of the variant on protein function. The variant was absent in 251294 control chromosomes. The available data on variant occurrences in the general population are insufficient to allow any conclusion about variant significance. To our knowledge, no occurrence of c.4606C>G in individuals affected with Dilated Cardiomyopathy and no experimental evidence demonstrating its impact on protein function have been reported. No submitters have cited clinical-significance assessments for this variant to ClinVar. Based on the evidence outlined above, the variant was classified as uncertain significance.

NM_020297.4(ABCC9):c.4512+780C>G

Genes: ABCC9 (ATP binding cassette subfamily C member 9; minus strand), KCNJ8-AS1 (KCNJ8 antisense RNA 1; plus strand). Cytogenetic location: 12p12.1.
Variant type: single nucleotide variant.
Coding change: c.4512+780C>G on transcript NM_020297.4 (MANE Select); 780 bases into the intron after coding-DNA position 4512, C replaced by G.
Molecular consequence: intron variant. On other transcripts: missense variant (1).
Genome position (GRCh38, 1-based): chr12:21,805,218, G>C on the plus strand (C>G on the coding strand, the complement: ABCC9 is on the minus strand). VCF-style: chr12-21805218-G-C. GRCh37 (hg19) VCF-style: chr12-21958152-G-C.
Other names: c.4606C>G, p.His1536Asp (NM_005691.4); c.3645+780C>G (NM_001377274.1); c.4512+780C>G (NM_001377273.1); short protein forms H1536D.
Identifiers: ClinVar variation 3895999 (VCV003895999.1).